The following is an entry in ClinVar:

NM_001360.3(DHCR7):c.187del (p.Gln63fs)

Gene: DHCR7 (7-dehydrocholesterol reductase; minus strand). Cytogenetic location: 11q13.4.
Variant type: Deletion.
Coding change: c.187del on transcript NM_001360.3 (MANE Select); coding-DNA position 187, one base deleted (C; older notation c.187delC).
Protein change: p.Gln63fs; shifts the reading frame from glutamine 63.
Molecular consequence: frameshift variant.
Genome position (GRCh38, 1-based): chr11:71,444,127, G deleted on the plus strand (C on the coding strand, the reverse complement: DHCR7 is on the minus strand); the first of 2 consecutive G bases (chr11:71,444,127-71,444,128); deleting either gives the same sequence. VCF-style (leftmost placement, unchanged base first): chr11-71444126-TG-T. GRCh37 (hg19) VCF-style: chr11-71155172-TG-T.
Other names: c.187del, p.Gln63fs (NM_001163817.2); c.186delC, p.Gln63Serfs (NM_001425107.1, NM_001425108.1, NM_001425109.1 and 7 more transcripts); c.12delC, p.Gln5Serfs (NM_001425117.1); c.187delC (NM_001360.2); short protein forms Q63fs.
Identifiers: ClinVar variation 2815506 (VCV002815506.4), dbSNP rs2539236724, ClinGen allele CA2739270665.

ClinVar aggregate classification (germline): Pathogenic/Likely pathogenic. Review status: criteria provided, multiple submitters, no conflicts (2 of 4 stars). 2 submissions from 2 submitters: Pathogenic (1); Likely pathogenic (1). Last evaluated 2025-09-09.

Conditions:
Smith-Lemli-Opitz syndrome (SLOS). Also called: LETHAL ACRODYSGENITAL SYNDROME; POLYDACTYLY, SEX REVERSAL, RENAL HYPOPLASIA, AND UNILOBAR LUNG; RSH SYNDROME; RUTLEDGE LETHAL MULTIPLE CONGENITAL ANOMALY SYNDROME; 7-Dehydrocholesterol reductase deficiency. Identifiers: Orphanet 818, MedGen C0175694, MONDO:0010035, OMIM 270400.

Submissions (2):

Natera, Inc.
Classification: Likely pathogenic for Smith-Lemli-Opitz syndrome. Last evaluated: 2025-09-09. Review status: criteria provided, single submitter. Criteria: Natera Variant Classification Schema (03/2026). Collection method: clinical testing. Allele origin: germline.
Comment: The c.187delC variant in DHCR7 is a frameshift variant predicted to shift the reading frame beginning at codon 63 and leads to a stop codon 6 codons downstream. This variant is expected to result in nonsense mediated decay, truncation, or a dysfunctional protein product. This variant is rare in the general population with a frequency below the threshold expected for the associated phenotype(s). Given the available evidence, this variant is classified as Likely Pathogenic.

Labcorp Genetics (formerly Invitae), Labcorp
Classification: Pathogenic for Smith-Lemli-Opitz syndrome. Last evaluated: 2022-11-20. Review status: criteria provided, single submitter. Criteria: Invitae Variant Classification Sherloc (09022015). Collection method: clinical testing. Allele origin: germline.
Comment: For these reasons, this variant has been classified as Pathogenic. This variant has not been reported in the literature in individuals affected with DHCR7-related conditions. This variant is not present in population databases (gnomAD no frequency). This sequence change creates a premature translational stop signal (p.Gln63Serfs*6) in the DHCR7 gene. It is expected to result in an absent or disrupted protein product. Loss-of-function variants in DHCR7 are known to be pathogenic (PMID: 9634533, 10677299).

Literature cited by the submitters: PubMed 9634533 (cited by Labcorp Genetics (formerly Invitae), Labcorp); PubMed 10677299 (cited by Labcorp Genetics (formerly Invitae), Labcorp).